The following is an entry in ClinVar:

ClinVar aggregate classification (germline): Benign (1 of 4 stars; one submission).

Conditions:
Neurofibromatosis, type 2 (SWNV). Also called: SCHWANNOMATOSIS, VESTIBULAR; BILATERAL ACOUSTIC NEUROFIBROMATOSIS; NF2-Related Schwannomatosis. Identifiers: Orphanet 637, MedGen C0027832, MONDO:0007039, OMIM 101000. Disease mechanism: loss of function.

Allele frequency attached by ClinVar (database versions not stated): 1000 Genomes Project 30x 0.00078; 1000 Genomes Project 0.00100; TOPMed 0.00218; gnomAD 0.00233 and 0.00245.

Submission:

Illumina Laboratory Services, Illumina
Classification: Benign for Neurofibromatosis, type 2. Last evaluated: 2018-01-13. Review status: criteria provided, single submitter. Criteria: ICSL Variant Classification Criteria 13 December 2019. Collection method: clinical testing. Allele origin: germline.
Comment: This variant was observed in the ICSL laboratory as part of a predisposition screen in an ostensibly healthy population. It had not been previously curated by ICSL or reported in the Human Gene Mutation Database (HGMD: prior to June 1st, 2018), and was therefore a candidate for classification through an automated scoring system. Utilizing variant allele frequency, disease prevalence and penetrance estimates, and inheritance mode, an automated score was calculated to assess if this variant is too frequent to cause the disease. Based on the score and internal cut-off values, a variant classified as benign is not then subjected to further curation. The score for this variant resulted in a classification of benign for this disease.

NM_000268.4(NF2):c.-245C>G

Genes: NF2 (NF2, moesin-ezrin-radixin like (MERLIN) tumor suppressor; plus strand), LOC130067184 (ATAC-STARR-seq lymphoblastoid silent region 13595; plus strand). Cytogenetic location: 22q12.2.
Variant type: single nucleotide variant.
Coding change: c.-245C>G on transcript NM_000268.4 (MANE Select); 245 bases upstream of the start codon, C replaced by G.
Molecular consequence: 5 prime UTR variant. On other transcripts: non-coding transcript variant (1).
Genome position (GRCh38, 1-based): chr22:29,603,754, C>G. VCF-style: chr22-29603754-C-G. GRCh37 (hg19) VCF-style: chr22-29999743-C-G.
Other names: c.-245C>G (NM_016418.5, NM_181825.3, NM_181828.3 and 5 more transcripts).
Identifiers: ClinVar variation 341064 (VCV000341064.5), dbSNP rs536438675, ClinGen allele CA10653989.